The following is an entry in ClinVar:

NM_139057.4(ADAMTS17):c.1921G>A (p.Gly641Arg)

Gene: ADAMTS17 (ADAM metallopeptidase with thrombospondin type 1 motif 17; minus strand). Cytogenetic location: 15q26.3.
Variant type: single nucleotide variant.
Coding change: c.1921G>A on transcript NM_139057.4 (MANE Select); coding-DNA position 1921, G replaced by A.
Protein change: p.Gly641Arg; replaces glycine 641 with arginine.
Molecular consequence: missense variant.
Genome position (GRCh38, 1-based): chr15:100,109,084, C>T on the plus strand (G>A on the coding strand, the complement: ADAMTS17 is on the minus strand). VCF-style: chr15-100109084-C-T. GRCh37 (hg19) VCF-style: chr15-100649289-C-T.
Other names: c.1921G>A (NM_139057.2); short protein forms G641R.
Identifiers: ClinVar variation 1433286 (VCV001433286.7), dbSNP rs200610100, ClinGen allele CA7757980.

ClinVar aggregate classification (germline): Uncertain significance. Review status: criteria provided, multiple submitters, no conflicts (2 of 4 stars). 3 submissions from 3 submitters: Uncertain significance (3). Last evaluated 2025-08-09.

Conditions:
Inborn genetic diseases. Identifiers: MedGen C0950123, MeSH D030342.

Allele frequency attached by ClinVar (database versions not stated): TOPMed 0.00002; gnomAD exomes 0.00006; ESP Exome Variant Server 0.00008; gnomAD 0.00008; ExAC 0.00009.
gnomAD v4.1: 75 of 1,613,576 alleles (0.0046%); highest among the groups gnomAD compares: South Asian, 0.0044%; no homozygotes.

Submissions (3):

Ambry Genetics
Classification: Uncertain significance for Inborn genetic diseases. Last evaluated: 2025-08-09. Review status: criteria provided, single submitter. Criteria: Ambry Variant Classification Scheme 2023. Collection method: clinical testing. Allele origin: germline.

Blueprint Genetics
Classification: Uncertain significance. Last evaluated: 2024-09-23. Review status: criteria provided, single submitter. Criteria: ACMG Guidelines, 2015. Collection method: clinical testing. Allele origin: germline.

Labcorp Genetics (formerly Invitae), Labcorp
Classification: Uncertain significance. Last evaluated: 2022-09-07. Review status: criteria provided, single submitter. Criteria: Invitae Variant Classification Sherloc (09022015). Collection method: clinical testing. Allele origin: germline.
Comment: This sequence change replaces glycine, which is neutral and non-polar, with arginine, which is basic and polar, at codon 641 of the ADAMTS17 protein (p.Gly641Arg). This variant is present in population databases (rs200610100, gnomAD 0.04%). This variant has not been reported in the literature in individuals affected with ADAMTS17-related conditions. ClinVar contains an entry for this variant (Variation ID: 1433286). Algorithms developed to predict the effect of missense changes on protein structure and function are either unavailable or do not agree on the potential impact of this missense change (SIFT: "Not Available"; PolyPhen-2: "Probably Damaging"; Align-GVGD: "Not Available"). In summary, the available evidence is currently insufficient to determine the role of this variant in disease. Therefore, it has been classified as a Variant of Uncertain Significance.